The following is an entry in ClinVar:

ClinVar aggregate classification (germline): Uncertain significance (1 of 4 stars; one submission).

Submission:

Labcorp Genetics (formerly Invitae), Labcorp
Classification: Uncertain significance. Last evaluated: 2024-05-15. Review status: criteria provided, single submitter. Criteria: Invitae Variant Classification Sherloc (09022015). Collection method: clinical testing. Allele origin: germline.
Comment: This sequence change replaces alanine, which is neutral and non-polar, with valine, which is neutral and non-polar, at codon 207 of the HOXA13 protein (p.Ala207Val). This variant is present in population databases (rs377071293, gnomAD 0.02%). This variant has not been reported in the literature in individuals affected with HOXA13-related conditions. Advanced modeling of protein sequence and biophysical properties (such as structural, functional, and spatial information, amino acid conservation, physicochemical variation, residue mobility, and thermodynamic stability) performed at Invitae indicates that this missense variant is not expected to disrupt HOXA13 protein function with a negative predictive value of 80%. In summary, the available evidence is currently insufficient to determine the role of this variant in disease. Therefore, it has been classified as a Variant of Uncertain Significance.

NM_000522.5(HOXA13):c.620C>T (p.Ala207Val)

Genes: HOXA13 (homeobox A13; minus strand), LOC107126288 (NUP98-HOXA13 recombination region; plus strand). Cytogenetic location: 7p15.2.
Variant type: single nucleotide variant.
Coding change: c.620C>T on transcript NM_000522.5 (MANE Select); coding-DNA position 620, C replaced by T.
Protein change: p.Ala207Val; replaces alanine 207 with valine.
Molecular consequence: missense variant.
Genome position (GRCh38, 1-based): chr7:27,199,458, G>A on the plus strand (C>T on the coding strand, the complement: HOXA13 is on the minus strand). VCF-style: chr7-27199458-G-A. GRCh37 (hg19) VCF-style: chr7-27239077-G-A.
Other names: short protein forms A207V.
Identifiers: ClinVar variation 3695434 (VCV003695434.2).